The following is an entry in ClinVar:

ClinVar aggregate classification (germline): Benign/Likely benign. Review status: criteria provided, multiple submitters, no conflicts (2 of 4 stars). 3 submissions from 3 submitters: Benign (1); Likely benign (2). Last evaluated 2022-05-27.

Submissions (3):

Clinical Genetics Laboratory, Skane University Hospital Lund
Classification: Likely benign. Last evaluated: 2022-05-27. Review status: criteria provided, single submitter. Criteria: ACMG Guidelines, 2015. Collection method: clinical testing. Allele origin: germline. Affected: yes.

GeneDx
Classification: Benign. Last evaluated: 2020-07-15. Review status: criteria provided, single submitter. Criteria: GeneDx Variant Classification Process June 2021. Collection method: clinical testing. Allele origin: germline. Affected: yes.

Laboratory for Molecular Medicine, Mass General Brigham Personalized Medicine
Classification: Likely benign. Last evaluated: 2016-03-28. Review status: criteria provided, single submitter. Criteria: LMM Criteria. Collection method: clinical testing. Allele origin: germline.
Comment: Variant identified in a genome or exome case(s) and assessed due to predicted null impact of the variant or pathogenic assertions in the literature or databases. Disclaimer: This variant has not undergone full assessment. The following are preliminary notes: Outside ROI, common in our data set

NM_022124.6(CDH23):c.-45AGGCG[4]

Gene: CDH23 (cadherin related 23; plus strand). Cytogenetic location: 10q22.1.
Variant type: Microsatellite.
Coding change: c.-45AGGCG[4] on transcript NM_022124.6 (MANE Select); four copies in a row of the 5-base unit AGGCG starting at c.-45; the reference has three copies in a row; one copy, 5 bases duplicated.
Molecular consequence: 5 prime UTR variant.
Genome position (GRCh38, 1-based): chr10:71,397,289-71,397,293, AGGCG duplicated; duplicating any 5 consecutive bases within chr10:71,397,277-71,397,293 gives the same sequence; the position shown is the placement nearest the transcript's 3' end. VCF-style (leftmost placement, unchanged base first): chr10-71397276-C-CCGAGG. GRCh37 (hg19) VCF-style: chr10-73157033-C-CCGAGG.
Other names: c.-35_-31dupAGGCG (NM_001171931.1); c.-45AGGCG[4] (NM_001171930.2, NM_001171931.2, NM_001171932.2 and 1 more transcripts); c.-35_-31dup (NM_001171931.1).
Identifiers: ClinVar variation 300394 (VCV000300394.13), dbSNP rs71012280, ClinGen allele CA5543254.
Genomic context (GRCh38, chr10:71,397,276, plus strand): 5'-CGGCGGTGGCCAGGGCCAGAGCAGGCGGCCCGCGGGGGCCGATCCGGCGGAGAGCAGAGC[C>CCGAGG]CGAGGCGAGGCGAGGCGCGGCGCCGCTGCACACACGCACACGGTACCCGGAGCCACGCAC-3'